The following is an entry in ClinVar:

NM_001366385.1(CARD14):c.2272G>A (p.Val758Met)

Genes: CARD14 (caspase recruitment domain family member 14; plus strand), SGSH (N-sulfoglucosamine sulfohydrolase; minus strand). Cytogenetic location: 17q25.3.
Variant type: single nucleotide variant.
Coding change: c.2272G>A on transcript NM_001366385.1 (MANE Select); coding-DNA position 2272, G replaced by A.
Protein change: p.Val758Met; replaces valine 758 with methionine.
Molecular consequence: missense variant. On other transcripts: non-coding transcript variant (1).
Genome position (GRCh38, 1-based): chr17:80,203,874, G>A. VCF-style: chr17-80203874-G-A. GRCh37 (hg19) VCF-style: chr17-78177673-G-A.
Other names: c.2272G>A, p.Val758Met (NM_024110.4); short protein forms V758M.
Identifiers: ClinVar variation 2169598 (VCV002169598.4), dbSNP rs756128578, ClinGen allele CA8817247.
Genomic context (GRCh38, chr17:80,203,874, plus strand): 5'-CTCTGCAGGGCTCAGCAGCAGCTCATAGCCCTCATCCAGGACATGACTCAGCAGTGCACC[G>A]TGACCCGCAAGGTGAGGCTCCAGGGAGGGGCCTGGACCCCACTGGGGTGGGCTGGAAGAG-3'
Protein context (NP_001353314.1, residues 748-768): LIQDMTQQCT[Val758Met]TRKPSSGGPQ

ClinVar aggregate classification (germline): Uncertain significance (1 of 4 stars; one submission).

Conditions:
Psoriasis 2. Identifiers: MedGen C1864497, MONDO:0011269, OMIM 602723.
Pityriasis rubra pilaris (PRP). Also called: Pityriasis rubra pilaris--familial type. Identifiers: Orphanet 2897, MedGen C0032027, MONDO:0100017, OMIM 173200, MONDO:0008251.

Allele frequency attached by ClinVar (database versions not stated): gnomAD exomes 0.00002; TOPMed 0.00003; ExAC 0.00004; gnomAD 0.00005.
gnomAD v4.1: 33 of 1,596,076 alleles (0.0021%); highest among the groups gnomAD compares: African/African-American, 0.011%; no homozygotes.

Submission:

Labcorp Genetics (formerly Invitae), Labcorp
Classification: Uncertain significance for Pityriasis rubra pilaris; Psoriasis 2. Last evaluated: 2025-12-27. Review status: criteria provided, single submitter. Criteria: Invitae Variant Classification Sherloc (09022015). Collection method: clinical testing. Allele origin: germline.
Comment: This sequence change replaces valine, which is neutral and non-polar, with methionine, which is neutral and non-polar, at codon 758 of the CARD14 protein (p.Val758Met). The frequency data for this variant in the population databases is considered unreliable, as metrics indicate poor data quality at this position in the gnomAD database. This missense change has been observed in individual(s) with psoriasis (PMID: 30387497). ClinVar contains an entry for this variant (Variation ID: 2169598). Invitae Evidence Modeling of protein sequence and biophysical properties (such as structural, functional, and spatial information, amino acid conservation, physicochemical variation, residue mobility, and thermodynamic stability) indicates that this missense variant is not expected to disrupt CARD14 protein function with a negative predictive value of 95%. In summary, the available evidence is currently insufficient to determine the role of this variant in disease. Therefore, it has been classified as a Variant of Uncertain Significance.

Literature cited by the submitters: PubMed 30387497.